The following is an entry in ClinVar:

ClinVar aggregate classification (germline): Pathogenic/Likely pathogenic. Review status: criteria provided, multiple submitters, no conflicts (2 of 4 stars). 3 submissions from 3 submitters: Pathogenic (1); Likely pathogenic (2). Last evaluated 2025-11-17.

Conditions:
Familial multiple polyposis syndrome (FAP). Also called: Classic familial adenomatous polyposis; Familial intestinal polyposis; Familial Adenomatous Polyposis (FAP); Familial adenomatous polyposis; Familial polyposis. Identifiers: Orphanet 733, MedGen C0032580, MONDO:0021055. Disease mechanism: loss of function.
Familial adenomatous polyposis 1 (FAP1). Also called: POLYPOSIS, ADENOMATOUS INTESTINAL; FAMILIAL ADENOMATOUS POLYPOSIS 1, ATTENUATED. Identifiers: MedGen C2713442, MONDO:0021056, OMIM 175100. Disease mechanism: loss of function.

Submissions (3):

Labcorp Genetics (formerly Invitae), Labcorp
Classification: Pathogenic for Familial adenomatous polyposis 1. Last evaluated: 2025-11-17. Review status: criteria provided, single submitter. Criteria: Invitae Variant Classification Sherloc (09022015). Collection method: clinical testing. Allele origin: germline.
Comment: This sequence change creates a premature translational stop signal (p.Ile2181Asnfs*17) in the APC gene. While this is not anticipated to result in nonsense mediated decay, it is expected to disrupt the last 663 amino acid(s) of the APC protein. This variant is not present in population databases (gnomAD no frequency). This premature translational stop signal has been observed in individual(s) with APC-related conditions (PMID: 31447099). ClinVar contains an entry for this variant (Variation ID: 438885). This variant is expected to disrupt the EB1 and HDLG binding sites, which mediate interactions with the cytoskeleton (PMID: 15311282, 17293347). While functional studies have not been performed to directly test the effect on APC protein function, this suggests that disruption of the C-terminal portion of the protein is functionally important. A different truncation (p.Tyr2645Lysfs*14) that lies downstream of this variant has been determined to be pathogenic (PMID: 9824584, 1316610, 27081525, 8381579, 22135120, internal data). This suggests that deletion of this region of the APC protein is causative of disease. For these reasons, this variant has been classified as Pathogenic.

Laboratory for Molecular Medicine, Mass General Brigham Personalized Medicine
Classification: Likely pathogenic for Familial multiple polyposis syndrome. Last evaluated: 2018-04-20. Review status: criteria provided, single submitter. Criteria: LMM Criteria. Collection method: clinical testing. Allele origin: germline. Inheritance: Autosomal dominant inheritance. Observed: 1 variant allele.
Comment: The p.Ile2181fs variant in APC has not been previously reported in individuals w ith familial adenomatous polyposis (FAP) or in large population studies. This va riant is predicted to cause a frameshift, which alters the protein's amino acid sequence beginning at position 2181 and leads to a premature termination codon 1 7 amino acids downstream. This termination codon occurs in the last exon and may escape nonsense mediated deca, therefore resulting in a truncated protein. Trun cating variants in the last exon of APC have been reported in individuals with F AP. In summary, although additional studies are required to fully establish its clinical significance, the p.Ile2181fs variant is likely pathogenic. ACMG/AMP Cr iteria applied: PVS1_Strong; PM2.

Quest Diagnostics Nichols Institute San Juan Capistrano
Classification: Likely pathogenic. Last evaluated: 2017-04-03. Review status: criteria provided, single submitter. Criteria: Quest Diagnostics criteria. Collection method: clinical testing. Allele origin: germline.

Literature cited by the submitters: PubMed 31447099 (cited by Labcorp Genetics (formerly Invitae), Labcorp); PubMed 15311282 (cited by Labcorp Genetics (formerly Invitae), Labcorp); PubMed 17293347 (cited by Labcorp Genetics (formerly Invitae), Labcorp); PubMed 9824584 (cited by Labcorp Genetics (formerly Invitae), Labcorp); PubMed 1316610 (cited by Labcorp Genetics (formerly Invitae), Labcorp); PubMed 27081525 (cited by Labcorp Genetics (formerly Invitae), Labcorp); PubMed 8381579 (cited by Labcorp Genetics (formerly Invitae), Labcorp); PubMed 22135120 (cited by Labcorp Genetics (formerly Invitae), Labcorp).

NM_000038.6(APC):c.6542_6545del (p.Ile2181fs)

Gene: APC (APC regulator of Wnt signaling pathway; plus strand). Cytogenetic location: 5q22.2.
Variant type: Deletion.
Coding change: c.6542_6545del on transcript NM_000038.6 (MANE Select); coding-DNA positions 6542 to 6545, 4 bases deleted (TAGA; older notation c.6542_6545delTAGA).
Protein change: p.Ile2181fs; shifts the reading frame from isoleucine 2181.
Molecular consequence: frameshift variant.
Genome position (GRCh38, 1-based): chr5:112,842,136-112,842,139, TAGA deleted; deleting any 4 consecutive bases within chr5:112,842,133-112,842,139 gives the same sequence; the c. name uses the placement nearest the transcript's 3' end. VCF-style (leftmost placement, unchanged base first): chr5-112842132-AAGAT-A. GRCh37 (hg19) VCF-style: chr5-112177829-AAGAT-A.
Other names: c.6542_6545del, p.Ile2181fs (NM_001127510.3, NM_001354895.2); c.6488_6491del, p.Ile2163fs (NM_001127511.3); c.6596_6599del, p.Ile2199fs (NM_001354896.2); c.6572_6575del, p.Ile2191fs (NM_001354897.2); c.6467_6470del, p.Ile2156fs (NM_001354898.2); c.6458_6461del, p.Ile2153fs (NM_001354899.2); c.6419_6422del, p.Ile2140fs (NM_001354900.2); c.6365_6368del, p.Ile2122fs (NM_001354901.2); and 5 more; short protein forms I2153fs, I2156fs, I2055fs, I2080fs, I2140fs, I2199fs, I2163fs, I2181fs.
Identifiers: ClinVar variation 438885 (VCV000438885.7), dbSNP rs1554087515, ClinGen allele CA645509164.
Genomic context (GRCh38, chr5:112,842,132, plus strand): 5'-ACAAGTAATAAAGGCCCACGAATTCTAAAACCAGGGGAGAAAAGTACATTGGAAACTAAA[AAGAT>A]AGAATCTGAAAGTAAAGGAATCAAAGGAGGAAAAAAAGTTTATAAAAGTTTGATTACTGG-3'